The following is an entry in ClinVar:

NM_022114.4(PRDM16):c.706G>A (p.Asp236Asn)

Gene: PRDM16 (PR/SET domain 16; plus strand). Cytogenetic location: 1p36.32.
Variant type: single nucleotide variant.
Coding change: c.706G>A on transcript NM_022114.4 (MANE Select); coding-DNA position 706, G replaced by A.
Protein change: p.Asp236Asn; replaces aspartic acid 236 with asparagine.
Molecular consequence: missense variant.
Genome position (GRCh38, 1-based): chr1:3,402,820, G>A. VCF-style: chr1-3402820-G-A. GRCh37 (hg19) VCF-style: chr1-3319384-G-A.
Other names: c.706G>A, p.Asp236Asn (NM_199454.3); short protein forms D236N.
Identifiers: ClinVar variation 487582 (VCV000487582.17), dbSNP rs185041492, ClinGen allele CA543937.

ClinVar aggregate classification (germline): Likely benign. Review status: criteria provided, multiple submitters, no conflicts (2 of 4 stars). 4 submissions from 4 submitters: Likely benign (2). 2 of the submissions do not count toward it. Last evaluated 2026-01-20.

Conditions:
PRDM16-related disorder. Also called: PRDM16-related condition.
Left ventricular noncompaction 8 (LVNC8). Identifiers: Orphanet 154, Orphanet 54260, MedGen C3809288, MONDO:0014152, OMIM 615373.
Wolff-Parkinson-White pattern. Also called: WPW SYNDROME; Auriculoventricular accessory pathway syndrome; False bundle branch block syndrome; Anomalous ventricular excitation syndrome. Identifiers: MedGen C0043202, MONDO:0008685, OMIM 194200, HP:0001716.

Allele frequency attached by ClinVar (database versions not stated): gnomAD 0.00008 and 0.00009; gnomAD exomes 0.00009 and 0.00046; TOPMed 0.00028; 1000 Genomes Project 30x 0.00031; ExAC 0.00033; 1000 Genomes Project 0.00040.
gnomAD v4.1: 155 of 1,612,732 alleles (0.0096%); highest among the groups gnomAD compares: Admixed American, 0.23%; no homozygotes.

Submissions (4):

Labcorp Genetics (formerly Invitae), Labcorp
Classification: Likely benign for Left ventricular noncompaction 8. Last evaluated: 2026-01-20. Review status: criteria provided, single submitter. Criteria: Invitae Variant Classification Sherloc (09022015). Collection method: clinical testing. Allele origin: germline.

GeneDx
Classification: Likely benign. Last evaluated: 2020-03-23. Review status: criteria provided, single submitter. Criteria: GeneDx Variant Classification Process June 2021. Collection method: clinical testing. Allele origin: germline. Affected: yes.

PreventionGenetics, part of Exact Sciences
Classification: Likely benign for PRDM16-related condition. Last evaluated: 2019-06-12. Review status: no assertion criteria provided. Collection method: clinical testing. Allele origin: germline. Not counted in ClinVar's aggregate classification.
Comment: This variant is classified as likely benign based on ACMG/AMP sequence variant interpretation guidelines (Richards et al. 2015 PMID: 25741868, with internal and published modifications).

Lupski Lab, Baylor-Hopkins CMG, Baylor College of Medicine
Classification: Uncertain significance for Wolff-Parkinson-White pattern. Last evaluated: 2017-07-14. Review status: no assertion criteria provided. Collection method: research. Allele origin: inherited. Affected: yes. Observed: 1 variant allele. Study: Candidate_variants_in_patients_with_ Wolff-Parkinson-White Syndrome. Not counted in ClinVar's aggregate classification.